The following is an entry in ClinVar:

NM_032578.4(MYPN):c.3494-85A>G

Gene: MYPN (myopalladin; plus strand). Cytogenetic location: 10q21.3.
Variant type: single nucleotide variant.
Coding change: c.3494-85A>G on transcript NM_032578.4 (MANE Select); 85 bases into the intron before coding-DNA position 3494, A replaced by G.
Molecular consequence: intron variant.
Genome position (GRCh38, 1-based): chr10:68,201,744, A>G. VCF-style: chr10-68201744-A-G. GRCh37 (hg19) VCF-style: chr10-69961501-A-G.
Other names: c.3494-85A>G (NM_001256267.2); c.2612-85A>G (NM_001256268.2).
Identifiers: ClinVar variation 671152 (VCV000671152.2), dbSNP rs7913146, ClinGen allele CA208227821.

ClinVar aggregate classification (germline): Benign. Review status: criteria provided, multiple submitters, no conflicts (2 of 4 stars). 2 submissions from 2 submitters: Benign (2). Last evaluated 2018-06-14.

Allele frequency attached by ClinVar (database versions not stated): TOPMed 0.93804; 1000 Genomes Project 30x 0.93816; 1000 Genomes Project 0.94269; gnomAD exomes 0.99500.
gnomAD v4.1: 1,472,896 of 1,487,942 alleles (99%); highest among the groups gnomAD compares: East Asian, 100%; 730,202 homozygotes.

Submissions (2):

GeneDx
Classification: Benign. Last evaluated: 2018-06-14. Review status: criteria provided, single submitter. Criteria: GeneDx Variant Classification (06012015). Collection method: clinical testing. Allele origin: germline. Affected: yes.
Comment: This variant is considered likely benign or benign based on one or more of the following criteria: it is a conservative change, it occurs at a poorly conserved position in the protein, it is predicted to be benign by multiple in silico algorithms, and/or has population frequency not consistent with disease.

Breakthrough Genomics
Classification: Benign. Review status: criteria provided, single submitter. Criteria: ACMG Guidelines, 2015. Collection method: not provided. Allele origin: germline. Inheritance: Autosomal recessive inheritance. Affected: yes.